The following is an entry in ClinVar:

NM_001080442.3(SLC38A8):c.257C>T (p.Ala86Val)

Gene: SLC38A8 (solute carrier family 38 member 8; minus strand). Cytogenetic location: 16q23.3.
Variant type: single nucleotide variant.
Coding change: c.257C>T on transcript NM_001080442.3 (MANE Select); coding-DNA position 257, C replaced by T.
Protein change: p.Ala86Val; replaces alanine 86 with valine.
Molecular consequence: missense variant.
Genome position (GRCh38, 1-based): chr16:84,036,833, G>A on the plus strand (C>T on the coding strand, the complement: SLC38A8 is on the minus strand). VCF-style: chr16-84036833-G-A. GRCh37 (hg19) VCF-style: chr16-84070438-G-A.
Other names: c.257C>T (NM_001080442.1); short protein forms A86V.
Identifiers: ClinVar variation 3354831 (VCV003354831.2).

ClinVar aggregate classification (germline): Uncertain significance. Review status: criteria provided, single submitter (1 of 4 stars). 2 submissions from 2 submitters: Uncertain significance (1). 1 of the submissions does not count toward it. Last evaluated 2025-08-04.

Conditions:
SLC38A8-related disorder. Also called: SLC38A8-related condition.
Inborn genetic diseases. Identifiers: MedGen C0950123, MeSH D030342.

gnomAD v4.1: 77 of 1,613,878 alleles (0.0048%); highest among the groups gnomAD compares: East Asian, 0.1%; no homozygotes.

Submissions (2):

Ambry Genetics
Classification: Uncertain significance for Inborn genetic diseases. Last evaluated: 2025-08-04. Review status: criteria provided, single submitter. Criteria: Ambry Variant Classification Scheme 2023. Collection method: clinical testing. Allele origin: germline.

PreventionGenetics, part of Exact Sciences
Classification: Uncertain significance for SLC38A8-related condition. Last evaluated: 2024-08-13. Review status: no assertion criteria provided. Collection method: clinical testing. Allele origin: germline. Not counted in ClinVar's aggregate classification.
Comment: The SLC38A8 c.257C>T variant is predicted to result in the amino acid substitution p.Ala86Val. To our knowledge, this variant has not been reported in the literature. This variant is reported in 0.040% of alleles in individuals of East Asian descent in gnomAD. At this time, the clinical significance of this variant is uncertain due to the absence of conclusive functional and genetic evidence.